The following is an entry in ClinVar:

NM_016417.3(GLRX5):c.171C>A (p.Phe57Leu)

Gene: GLRX5 (glutaredoxin 5; plus strand). Cytogenetic location: 14q32.13.
Variant type: single nucleotide variant.
Coding change: c.171C>A on transcript NM_016417.3 (MANE Select); coding-DNA position 171, C replaced by A.
Protein change: p.Phe57Leu; replaces phenylalanine 57 with leucine.
Molecular consequence: missense variant.
Genome position (GRCh38, 1-based): chr14:95,535,260, C>A. VCF-style: chr14-95535260-C-A. GRCh37 (hg19) VCF-style: chr14-96001597-C-A.
Other names: short protein forms F57L.
Identifiers: ClinVar variation 4854546 (VCV004854546.1).

ClinVar aggregate classification (germline): Uncertain significance (1 of 4 stars; one submission).

Conditions:
Spasticity-ataxia-gait anomalies syndrome. Also called: Spasticity, childhood-onset, with hyperglycinemia. Identifiers: Orphanet 401866, MedGen C4225178, MONDO:0014803, OMIM 616859.

Submission:

3billion
Classification: Uncertain significance for Spasticity-ataxia-gait anomalies syndrome. Last evaluated: 2026-01-12. Review status: criteria provided, single submitter. Criteria: ACMG Guidelines, 2015. Collection method: clinical testing. Allele origin: germline. Affected: yes.
Comment: The variant is observed at an extremely low frequency in the gnomAD v4.1.0 dataset (total allele frequency: <0.001%). Predicted Consequence/Location: Missense variant In silico tool predictions suggest no damaging effect of the variant on gene or gene product [REVEL: 0.37 (<0.4); 3Cnet: 0.02 (<0.1, specificity 0.84 and negative predicitive value 0.97)]. Therefore, this variant is classified as VUS according to the recommendation of ACMG/AMP guideline.